The following is an entry in ClinVar:

ClinVar aggregate classification (germline): Uncertain significance (1 of 4 stars; one submission).

Conditions:
Hereditary cancer-predisposing syndrome. Also called: Neoplastic Syndromes, Hereditary; Tumor predisposition; Hereditary Cancer Syndrome; Hereditary neoplastic syndrome. Identifiers: Orphanet 140162, MedGen C0027672, MeSH D009386, MONDO:0015356.

Submission:

Ambry Genetics
Classification: Uncertain significance for Hereditary cancer-predisposing syndrome. Last evaluated: 2024-06-10. Review status: criteria provided, single submitter. Criteria: Ambry Variant Classification Scheme 2023. Collection method: clinical testing. Allele origin: germline.
Comment: The p.T247S variant (also known as c.739A>T), located in coding exon 7 of the EPCAM gene, results from an A to T substitution at nucleotide position 739. The threonine at codon 247 is replaced by serine, an amino acid with similar properties. This amino acid position is conserved. In addition, this alteration is predicted to be tolerated by in silico analysis. Since supporting evidence is limited at this time, the clinical significance of this alteration remains unclear.

NM_002354.3(EPCAM):c.739A>T (p.Thr247Ser)

Gene: EPCAM (epithelial cell adhesion molecule; plus strand). Cytogenetic location: 2p21.
Variant type: single nucleotide variant.
Coding change: c.739A>T on transcript NM_002354.3 (MANE Select); coding-DNA position 739, A replaced by T.
Protein change: p.Thr247Ser; replaces threonine 247 with serine.
Molecular consequence: missense variant.
Genome position (GRCh38, 1-based): chr2:47,379,850, A>T. VCF-style: chr2-47379850-A-T. GRCh37 (hg19) VCF-style: chr2-47606989-A-T.
Other names: short protein forms T247S.
Identifiers: ClinVar variation 1758694 (VCV001758694.3), dbSNP rs147958220, ClinGen allele CA346724552.
Genomic context (GRCh38, chr2:47,379,850, plus strand): 5'-CATTCTAAGAAAATGGACCTGACAGTAAATGGGGAACAACTGGATCTGGATCCTGGTCAA[A>T]CTTTAATTTATTATGTTGATGAAAAAGCACCTGAATTCTCAATGCAGGGTCTAAAAGCTG-3'
Protein context (NP_002345.2, residues 237-257): GEQLDLDPGQ[Thr247Ser]LIYYVDEKAP